The following is an entry in ClinVar:

NM_001182.5(ALDH7A1):c.130G>T (p.Glu44Ter)

Gene: ALDH7A1 (aldehyde dehydrogenase 7 family member A1; minus strand). Cytogenetic location: 5q23.2.
Variant type: single nucleotide variant.
Coding change: c.130G>T on transcript NM_001182.5 (MANE Select); coding-DNA position 130, G replaced by T.
Protein change: p.Glu44Ter; replaces glutamic acid 44 with a stop codon.
Molecular consequence: nonsense.
Genome position (GRCh38, 1-based): chr5:126,595,069, C>A on the plus strand (G>T on the coding strand, the complement: ALDH7A1 is on the minus strand). VCF-style: chr5-126595069-C-A. GRCh37 (hg19) VCF-style: chr5-125930761-C-A.
Other names: c.46G>T, p.Glu16Ter (NM_001201377.2); c.130G>T, p.Glu44Ter (NM_001202404.2); short protein forms E16*, E44*.
Identifiers: ClinVar variation 1076094 (VCV001076094.7), dbSNP rs2112820022, ClinGen allele CA360733782.

ClinVar aggregate classification (germline): Pathogenic (1 of 4 stars; one submission).

Conditions:
Pyridoxine-dependent epilepsy (EPEO4). Also called: Pyridoxine-Dependent Seizures; Pyridoxine-Dependent Epilepsy - ALDH7A1; PYRIDOXINE DEPENDENCY WITH SEIZURES; EPILEPSY, EARLY-ONSET, 4, VITAMIN B6-DEPENDENT. Identifiers: Orphanet 3006, MedGen C1849508, MONDO:0009945, OMIM 266100. Disease mechanism: loss of function.

Submission:

Labcorp Genetics (formerly Invitae), Labcorp
Classification: Pathogenic for Pyridoxine-dependent epilepsy. Last evaluated: 2022-03-19. Review status: criteria provided, single submitter. Criteria: Invitae Variant Classification Sherloc (09022015). Collection method: clinical testing. Allele origin: germline.
Comment: For these reasons, this variant has been classified as Pathogenic. ClinVar contains an entry for this variant (Variation ID: 1076094). This variant has not been reported in the literature in individuals affected with ALDH7A1-related conditions. This variant is not present in population databases (gnomAD no frequency). This sequence change creates a premature translational stop signal (p.Glu44*) in the ALDH7A1 gene. It is expected to result in an absent or disrupted protein product. Loss-of-function variants in ALDH7A1 are known to be pathogenic (PMID: 16491085, 20554659).

Literature cited by the submitters: PubMed 16491085; PubMed 20554659.